The following is an entry in ClinVar:

NM_001384900.1(SEMA3D):c.1261A>G (p.Ile421Val)

Gene: SEMA3D (semaphorin 3D; minus strand). Cytogenetic location: 7q21.11.
Variant type: single nucleotide variant.
Coding change: c.1261A>G on transcript NM_001384900.1 (MANE Select); coding-DNA position 1261, A replaced by G.
Protein change: p.Ile421Val; replaces isoleucine 421 with valine.
Molecular consequence: missense variant.
Genome position (GRCh38, 1-based): chr7:85,022,544, T>C on the plus strand (A>G on the coding strand, the complement: SEMA3D is on the minus strand). VCF-style: chr7-85022544-T-C. GRCh37 (hg19) VCF-style: chr7-84651860-T-C.
Other names: c.1261A>G, p.Ile421Val (NM_001384901.1, NM_001384902.1, NM_001384903.1 and 1 more transcripts); short protein forms I421V.
Identifiers: ClinVar variation 3354419 (VCV003354419.1).
Genomic context (GRCh38, chr7:85,022,544, plus strand): 5'-TGAACGTTGGTCCTCCTGCAACTGGGTATACGGACTTATACATCACAGAGTGCCGCTTTA[T>C]GAAACTGATGACATCATCTGGAAAATCTCGGGTGGACTTAATCAGTGGGTCATAGGTTTT-3'
Protein context (NP_001371829.1, residues 411-431): RDFPDDVISF[Ile421Val]KRHSVMYKSV

ClinVar aggregate classification (germline): Uncertain significance (0 of 4 stars; one submission).

Conditions:
SEMA3D-related disorder. Also called: SEMA3D-related condition.

gnomAD v4.1: 2 of 1,612,608 alleles (0.00012%); highest among the groups gnomAD compares: Non-Finnish European, 0.00017%; no homozygotes.

Submission:

PreventionGenetics, part of Exact Sciences
Classification: Uncertain significance for SEMA3D-related condition. Last evaluated: 2024-04-12. Review status: no assertion criteria provided. Collection method: clinical testing. Allele origin: germline.
Comment: The SEMA3D c.1261A>G variant is predicted to result in the amino acid substitution p.Ile421Val. To our knowledge, this variant has not been reported in the literature or in a large population database, indicating this variant is rare. At this time, the clinical significance of this variant is uncertain due to the absence of conclusive functional and genetic evidence.